The following is an entry in ClinVar:

NM_020975.6(RET):c.3168G>C (p.Trp1056Cys)

Gene: RET (ret proto-oncogene; plus strand). Cytogenetic location: 10q11.21.
Variant type: single nucleotide variant.
Coding change: c.3168G>C on transcript NM_020975.6 (MANE Select); coding-DNA position 3168, G replaced by C.
Protein change: p.Trp1056Cys; replaces tryptophan 1056 with cysteine.
Molecular consequence: missense variant. On other transcripts: intron variant (4).
Genome position (GRCh38, 1-based): chr10:43,126,703, G>C. VCF-style: chr10-43126703-G-C. GRCh37 (hg19) VCF-style: chr10-43622151-G-C.
Other names: c.2442G>C, p.Trp814Cys (NM_001406775.1, NM_001406776.1, NM_001406778.1); c.2271G>C, p.Trp757Cys (NM_001406779.1, NM_001406780.1, NM_001406781.1 and 1 more transcripts); c.2142G>C, p.Trp714Cys (NM_001406783.1, NM_001406786.1); c.2178G>C, p.Trp726Cys (NM_001406784.1); c.2151G>C, p.Trp717Cys (NM_001406785.1); c.3168G>C, p.Trp1056Cys (NM_020630.7, NM_000323.2, NM_001406743.1 and 2 more transcripts); c.3127+41G>C (NM_001406759.1, NM_001406760.1); c.2401+41G>C (NM_001406777.1); and 13 more; short protein forms W1013C, W661C, W712C, W726C, W757C, W814C, W960C, W1056C.
Identifiers: ClinVar variation 2754129 (VCV002754129.3), dbSNP rs1302642973, ClinGen allele CA376558526.

ClinVar aggregate classification (germline): Uncertain significance (1 of 4 stars; one submission).

Conditions:
Multiple endocrine neoplasia, type 2 (MEN2). Identifiers: Orphanet 653, MedGen C4048306, MONDO:0019003. Disease mechanism: gain of function.

Allele frequency attached by ClinVar (database versions not stated): TOPMed below 0.00001.

Submission:

Labcorp Genetics (formerly Invitae), Labcorp
Classification: Uncertain significance for Multiple endocrine neoplasia, type 2. Last evaluated: 2023-08-23. Review status: criteria provided, single submitter. Criteria: Invitae Variant Classification Sherloc (09022015). Collection method: clinical testing. Allele origin: germline.
Comment: This sequence change replaces tryptophan, which is neutral and slightly polar, with cysteine, which is neutral and slightly polar, at codon 1056 of the RET protein (p.Trp1056Cys). This variant is not present in population databases (gnomAD no frequency). This variant has not been reported in the literature in individuals affected with RET-related conditions. An algorithm developed to predict the effect of missense changes on protein structure and function (PolyPhen-2) suggests that this variant is likely to be disruptive. Algorithms developed to predict the effect of sequence changes on RNA splicing suggest that this variant may disrupt the consensus splice site. In summary, the available evidence is currently insufficient to determine the role of this variant in disease. Therefore, it has been classified as a Variant of Uncertain Significance.